The following is an entry in ClinVar:

ClinVar aggregate classification (germline): Benign. Review status: criteria provided, multiple submitters, no conflicts (2 of 4 stars). 5 submissions from 5 submitters: Benign (5). Last evaluated 2026-02-04.

Allele frequency attached by ClinVar (database versions not stated): 1000 Genomes Project 30x 0.00515; 1000 Genomes Project 0.00559; ESP Exome Variant Server 0.00667; gnomAD 0.00722; TOPMed 0.00980; gnomAD exomes 0.01055; ExAC 0.01167.
gnomAD v4.1: 16,336 of 1,520,930 alleles (1.1%); highest among the groups gnomAD compares: Middle Eastern, 2.8%; 116 homozygotes.

Submissions (5):

Labcorp Genetics (formerly Invitae), Labcorp
Classification: Benign. Last evaluated: 2026-02-04. Review status: criteria provided, single submitter. Criteria: Invitae Variant Classification Sherloc (09022015). Collection method: clinical testing. Allele origin: germline.

CeGaT Center for Human Genetics Tuebingen
Classification: Benign. Last evaluated: 2024-07-01. Review status: criteria provided, single submitter. Criteria: CeGaT Center For Human Genetics Tuebingen Variant Classification Criteria Version 2. Collection method: clinical testing. Allele origin: germline. Affected: yes. Observed: 16 variant alleles.
Comment: LTBP4: BS1, BS2

GeneDx
Classification: Benign. Last evaluated: 2018-07-02. Review status: criteria provided, single submitter. Criteria: GeneDx Variant Classification Process June 2021. Collection method: clinical testing. Allele origin: germline. Affected: yes.

Eurofins Ntd Llc (ga)
Classification: Benign. Last evaluated: 2015-07-10. Review status: criteria provided, single submitter. Criteria: EGL Classification Definitions 2015. Collection method: clinical testing. Allele origin: germline. Observed: 1 variant allele, 1 heterozygote.

Breakthrough Genomics
Classification: Benign. Review status: criteria provided, single submitter. Criteria: ACMG Guidelines, 2015. Collection method: not provided. Allele origin: germline. Inheritance: Autosomal recessive inheritance. Affected: yes.

NM_001042545.2(LTBP4):c.4298A>T (p.Tyr1433Phe)

Gene: LTBP4 (latent transforming growth factor beta binding protein 4; plus strand). Cytogenetic location: 19q13.2.
Variant type: single nucleotide variant.
Coding change: c.4298A>T on transcript NM_001042545.2 (MANE Select); coding-DNA position 4298, A replaced by T.
Protein change: p.Tyr1433Phe; replaces tyrosine 1433 with phenylalanine.
Molecular consequence: missense variant.
Genome position (GRCh38, 1-based): chr19:40,627,287, A>T. VCF-style: chr19-40627287-A-T. GRCh37 (hg19) VCF-style: chr19-41133192-A-T.
Other names: c.4499A>T, p.Tyr1500Phe (NM_001042544.1); c.4388A>T, p.Tyr1463Phe (NM_003573.2); short protein forms Y1433F, Y1463F, Y1500F.
Identifiers: ClinVar variation 281781 (VCV000281781.44), dbSNP rs35809725, ClinGen allele CA9449275.